The following is an entry in ClinVar:

NM_000417.3(IL2RA):c.516C>T (p.His172=)

Gene: IL2RA (interleukin 2 receptor subunit alpha; minus strand). Cytogenetic location: 10p15.1.
Variant type: single nucleotide variant.
Coding change: c.516C>T on transcript NM_000417.3 (MANE Select); coding-DNA position 516, C replaced by T.
Protein change: p.His172=; no amino-acid change (histidine 172 retained).
Molecular consequence: synonymous variant. On other transcripts: intron variant (2).
Genome position (GRCh38, 1-based): chr10:6,021,545, G>A on the plus strand (C>T on the coding strand, the complement: IL2RA is on the minus strand). VCF-style: chr10-6021545-G-A. GRCh37 (hg19) VCF-style: chr10-6063508-G-A.
Other names: p.His172=; c.368-2046C>T (NM_001308243.2); c.368-1604C>T (NM_001308242.2).
Identifiers: ClinVar variation 300256 (VCV000300256.18), dbSNP rs2228149, ClinGen allele CA5397427.
Genomic context (GRCh38, chr10:6,021,545, plus strand): 5'-CTGACTGGTCTCCATTTCACCTGTGCATATGAGCTGGGGCTGGGTCCACCTTGTCTTCCC[G>A]TGGGTCATTTTGCAGACGCTCTCAGCAGGACCTCTGTGTAGAGCCCTGTATCCCTGGACG-3'
Protein context (NP_000408.1, residues 162-182): GPAESVCKMT[His172=]GKTRWTQPQL

ClinVar aggregate classification (germline): Benign. Review status: criteria provided, multiple submitters, no conflicts (2 of 4 stars). 5 submissions from 5 submitters: Benign (5). Last evaluated 2026-02-04.

Conditions:
Immunodeficiency due to CD25 deficiency. Also called: IMMUNODEFICIENCY 41 WITH LYMPHOPROLIFERATION AND AUTOIMMUNITY; CD25 DEFICIENCY; IL2RA DEFICIENCY. Identifiers: Orphanet 169100, MedGen C1853392, MONDO:0011664, OMIM 606367.

Allele frequency attached by ClinVar (database versions not stated): ESP Exome Variant Server 0.03998; gnomAD 0.05485 and 0.05507; ExAC 0.06014; 1000 Genomes Project 0.06030; 1000 Genomes Project 30x 0.06293; TOPMed 0.06576; gnomAD exomes 0.06970.
gnomAD v4.1: 71,713 of 1,613,992 alleles (4.4%); highest among the groups gnomAD compares: Admixed American, 22%; 2,904 homozygotes.

Submissions (5):

Labcorp Genetics (formerly Invitae), Labcorp
Classification: Benign for Immunodeficiency due to CD25 deficiency. Last evaluated: 2026-02-04. Review status: criteria provided, single submitter. Criteria: Invitae Variant Classification Sherloc (09022015). Collection method: clinical testing. Allele origin: germline.

Unidad de Genómica Garrahan, Hospital de Pediatría Garrahan
Classification: Benign. Last evaluated: 2023-11-12. Review status: criteria provided, single submitter. Criteria: ACMG Guidelines, 2015. Collection method: clinical testing. Allele origin: germline. Affected: no. Observed: 33 variant alleles.
Comment: This variant is classified as Benign based on local population frequency. This variant was detected in 34% of patients studied by a panel of primary immunodeficiencies. Number of patients: 33. Only high quality variants are reported.

Mayo Clinic Laboratories, Mayo Clinic
Classification: Benign. Last evaluated: 2018-05-29. Review status: criteria provided, single submitter. Criteria: ACMG Guidelines, 2015. Collection method: clinical testing. Allele origin: germline. Observed: 114 variant alleles.

Illumina Laboratory Services, Illumina
Classification: Benign for Immunodeficiency due to CD25 deficiency. Last evaluated: 2018-01-13. Review status: criteria provided, single submitter. Criteria: ICSL Variant Classification Criteria 13 December 2019. Collection method: clinical testing. Allele origin: germline.
Comment: This variant was observed in the ICSL laboratory as part of a predisposition screen in an ostensibly healthy population. It had not been previously curated by ICSL or reported in the Human Gene Mutation Database (HGMD: prior to June 1st, 2018), and was therefore a candidate for classification through an automated scoring system. Utilizing variant allele frequency, disease prevalence and penetrance estimates, and inheritance mode, an automated score was calculated to assess if this variant is too frequent to cause the disease. Based on the score and internal cut-off values, a variant classified as benign is not then subjected to further curation. The score for this variant resulted in a classification of benign for this disease.

Breakthrough Genomics
Classification: Benign. Review status: criteria provided, single submitter. Criteria: ACMG Guidelines, 2015. Collection method: not provided. Allele origin: germline. Inheritance: Autosomal recessive inheritance. Affected: yes.